The following is an entry in ClinVar:

ClinVar aggregate classification (germline): Conflicting classifications of pathogenicity. Review status: criteria provided, conflicting classifications (1 of 4 stars). 2 submissions from 2 submitters: Uncertain significance (1); Likely benign (1). Last evaluated 2025-11-13.

Allele frequency attached by ClinVar (database versions not stated): gnomAD 0.00001; gnomAD exomes 0.00001; ExAC 0.00002; TOPMed 0.00002.
gnomAD v4.1: 19 of 1,612,096 alleles (0.0012%); highest among the groups gnomAD compares: Admixed American, 0.012%; no homozygotes.

Submissions (2):

Ambry Genetics
Classification: Likely benign. Last evaluated: 2025-11-13. Review status: criteria provided, single submitter. Criteria: Ambry Variant Classification Scheme 2023. Collection method: clinical testing. Allele origin: germline.

Labcorp Genetics (formerly Invitae), Labcorp
Classification: Uncertain significance. Last evaluated: 2024-01-25. Review status: criteria provided, single submitter. Criteria: Invitae Variant Classification Sherloc (09022015). Collection method: clinical testing. Allele origin: germline.
Comment: This sequence change replaces arginine, which is basic and polar, with glutamine, which is neutral and polar, at codon 756 of the KANK4 protein (p.Arg756Gln). This variant is present in population databases (rs770391526, gnomAD 0.02%). This variant has not been reported in the literature in individuals affected with KANK4-related conditions. ClinVar contains an entry for this variant (Variation ID: 1945566). Algorithms developed to predict the effect of missense changes on protein structure and function output the following: SIFT: "Not Available"; PolyPhen-2: "Benign"; Align-GVGD: "Not Available". The glutamine amino acid residue is found in multiple mammalian species, which suggests that this missense change does not adversely affect protein function. In summary, the available evidence is currently insufficient to determine the role of this variant in disease. Therefore, it has been classified as a Variant of Uncertain Significance.

NM_181712.5(KANK4):c.2267G>A (p.Arg756Gln)

Gene: KANK4 (KN motif and ankyrin repeat domains 4; minus strand). Cytogenetic location: 1p31.3.
Variant type: single nucleotide variant.
Coding change: c.2267G>A on transcript NM_181712.5 (MANE Select); coding-DNA position 2267, G replaced by A.
Protein change: p.Arg756Gln; replaces arginine 756 with glutamine.
Molecular consequence: missense variant.
Genome position (GRCh38, 1-based): chr1:62,266,784, C>T on the plus strand (G>A on the coding strand, the complement: KANK4 is on the minus strand). VCF-style: chr1-62266784-C-T. GRCh37 (hg19) VCF-style: chr1-62732456-C-T.
Other names: c.383G>A, p.Arg128Gln (NM_001320269.2); c.2267G>A (NM_181712.4); short protein forms R128Q, R756Q.
Identifiers: ClinVar variation 1945566 (VCV001945566.6), dbSNP rs770391526, ClinGen allele CA884158.